The following is an entry in ClinVar:

NM_016343.4(CENPF):c.3894_3896dup (p.Asn1298_Lys1299insAsn)

Gene: CENPF (centromere protein F; plus strand). Cytogenetic location: 1q41.
Variant type: Duplication.
Coding change: c.3894_3896dup on transcript NM_016343.4 (MANE Select); coding-DNA positions 3894 to 3896, 3 bases duplicated (CAA; older notation c.3894_3896dupCAA).
Protein change: p.Asn1298_Lys1299insAsn.
Genome position (GRCh38, 1-based): chr1:214,642,232-214,642,234, CAA duplicated; duplicating any 3 consecutive bases within chr1:214,642,230-214,642,234 gives the same sequence; the c. name uses the placement nearest the transcript's 3' end. VCF-style (leftmost placement, unchanged base first): chr1-214642229-G-GAAC. GRCh37 (hg19) VCF-style: chr1-214815572-G-GAAC.
Identifiers: ClinVar variation 3383504 (VCV003383504.1).

ClinVar aggregate classification (germline): Uncertain significance (1 of 4 stars; one submission).

Submission:

GeneDx
Classification: Uncertain significance. Last evaluated: 2024-05-23. Review status: criteria provided, single submitter. Criteria: GeneDx Variant Classification Process June 2021. Collection method: clinical testing. Allele origin: germline. Affected: yes.
Comment: In-frame insertion of 1 amino acid in a non-repeat region; Has not been previously published as pathogenic or benign to our knowledge